The following is an entry in ClinVar:

NM_003079.5(SMARCE1):c.369G>A (p.Lys123=)

Gene: SMARCE1 (SWI/SNF related BAF chromatin remodeling complex subunit E1; minus strand). Cytogenetic location: 17q21.2.
Variant type: single nucleotide variant.
Coding change: c.369G>A on transcript NM_003079.5 (MANE Select); coding-DNA position 369, G replaced by A.
Protein change: p.Lys123=; no amino-acid change (lysine 123 retained).
Molecular consequence: synonymous variant.
Genome position (GRCh38, 1-based): chr17:40,636,395, C>T on the plus strand (G>A on the coding strand, the complement: SMARCE1 is on the minus strand). VCF-style: chr17-40636395-C-T. GRCh37 (hg19) VCF-style: chr17-38792647-C-T.
Identifiers: ClinVar variation 532241 (VCV000532241.15), dbSNP rs746320191, ClinGen allele CA8545267.

ClinVar aggregate classification (germline): Conflicting classifications of pathogenicity. Review status: criteria provided, conflicting classifications (1 of 4 stars). 4 submissions from 4 submitters: Uncertain significance (3); Likely benign (1). Last evaluated 2025-06-10.

Conditions:
Hereditary cancer-predisposing syndrome. Also called: Neoplastic Syndromes, Hereditary; Hereditary Cancer Syndrome; Tumor predisposition; Hereditary neoplastic syndrome. Identifiers: Orphanet 140162, MedGen C0027672, MeSH D009386, MONDO:0015356.
Familial meningioma. Also called: Meningioma, familial, susceptibility to. Identifiers: Orphanet 263662, MedGen C3551915, MONDO:0011789, OMIM 607174.

Allele frequency attached by ClinVar (database versions not stated): gnomAD exomes 0.00001 and 0.00003; ExAC 0.00002.

Submissions (4):

Labcorp Genetics (formerly Invitae), Labcorp
Classification: Uncertain significance for Familial meningioma. Last evaluated: 2025-06-10. Review status: criteria provided, single submitter. Criteria: Invitae Variant Classification Sherloc (09022015). Collection method: clinical testing. Allele origin: germline.
Comment: This sequence change affects codon 123 of the SMARCE1 mRNA. It is a 'silent' change, meaning that it does not change the encoded amino acid sequence of the SMARCE1 protein. This variant also falls at the last nucleotide of exon 6, which is part of the consensus splice site for this exon. This variant is present in population databases (rs746320191, gnomAD 0.02%). This variant has not been reported in the literature in individuals affected with SMARCE1-related conditions. ClinVar contains an entry for this variant (Variation ID: 532241). Variants that disrupt the consensus splice site are a relatively common cause of aberrant splicing (PMID: 17576681, 9536098). RNA analysis performed to evaluate the impact of this variant on mRNA splicing indicates it does not significantly alter splicing (internal data). In summary, the available evidence is currently insufficient to determine the role of this variant in disease. Therefore, it has been classified as a Variant of Uncertain Significance.

Baylor Genetics
Classification: Uncertain significance for Familial meningioma. Last evaluated: 2023-12-17. Review status: criteria provided, single submitter. Criteria: ACMG Guidelines, 2015. Collection method: clinical testing. Allele origin: unknown.

GeneDx
Classification: Uncertain significance. Last evaluated: 2023-02-10. Review status: criteria provided, single submitter. Criteria: GeneDx Variant Classification Process June 2021. Collection method: clinical testing. Allele origin: germline.
Comment: In silico analysis supports a deleterious effect on splicing; Has not been previously published as pathogenic or benign to our knowledge

Ambry Genetics
Classification: Likely benign for Hereditary cancer-predisposing syndrome. Last evaluated: 2020-07-15. Review status: criteria provided, single submitter. Criteria: Ambry Variant Classification Scheme 2023. Collection method: clinical testing. Allele origin: germline.

Literature cited by the submitters: PubMed 17576681 (cited by Labcorp Genetics (formerly Invitae), Labcorp); PubMed 9536098 (cited by Labcorp Genetics (formerly Invitae), Labcorp).